The following is an entry in ClinVar:

NM_000256.3(MYBPC3):c.1383_1384dup (p.Asp462fs)

Gene: MYBPC3 (myosin binding protein C3; minus strand). Cytogenetic location: 11p11.2.
Variant type: Duplication.
Coding change: c.1383_1384dup on transcript NM_000256.3 (MANE Select); coding-DNA positions 1383 to 1384, 2 bases duplicated (GG; older notation c.1383_1384dupGG).
Protein change: p.Asp462fs; shifts the reading frame from aspartic acid 462.
Molecular consequence: frameshift variant.
Genome position (GRCh38, 1-based): chr11:47,342,903-47,342,904, CC duplicated on the plus strand (GG on the coding strand, the reverse complement: MYBPC3 is on the minus strand). VCF-style (leftmost placement, unchanged base first): chr11-47342902-T-TCC. GRCh37 (hg19) VCF-style: chr11-47364453-T-TCC.
Other names: c.1384_1385insGG (NM_000256.3); short protein forms D462fs.
Identifiers: ClinVar variation 978304 (VCV000978304.4), dbSNP rs2095890455, ClinGen allele CA1139661934.

ClinVar aggregate classification (germline): Pathogenic/Likely pathogenic. Review status: criteria provided, multiple submitters, no conflicts (2 of 4 stars). 3 submissions from 2 submitters: Pathogenic (2); Likely pathogenic (1). Last evaluated 2025-03-25.

Conditions:
Hypertrophic cardiomyopathy 4. Also called: Familial hypertrophic cardiomyopathy 4. Identifiers: MedGen C1861862, MONDO:0007268, OMIM 115197.
Hypertrophic cardiomyopathy 1 (CMH1). Also called: Familial hypertrophic cardiomyopathy 1; MYH7-Related Familial Hypertrophic Cardiomyopathy. Identifiers: MedGen C3495498, MONDO:0008647, OMIM 192600.
Cardiovascular phenotype. Identifiers: MedGen CN230736.

Submissions (3):

Institute of Medical Genetics and Applied Genomics, University Hospital Tübingen
Classification: Pathogenic for Hypertrophic cardiomyopathy 4. Last evaluated: 2025-03-25. Review status: criteria provided, single submitter. Criteria: ACMG Guidelines, 2015. Collection method: clinical testing. Allele origin: germline. Inheritance: Autosomal dominant inheritance. Affected: yes.

Molecular Diagnostic Laboratory for Inherited Cardiovascular Disease, Montreal Heart Institute
Classification: Pathogenic for Cardiovascular phenotype. Last evaluated: 2024-11-05. Review status: criteria provided, single submitter. Criteria: ACMG Guidelines, 2015. Collection method: clinical testing. Allele origin: germline. Affected: yes.
Comment: PVS1, PM2, PP1

Molecular Diagnostic Laboratory for Inherited Cardiovascular Disease, Montreal Heart Institute
Classification: Likely pathogenic for Hypertrophic cardiomyopathy 1. Last evaluated: 2019-11-06. Review status: criteria provided, single submitter. Criteria: ACMG Guidelines, 2015. Collection method: clinical testing. Allele origin: germline. Affected: yes.